The following is an entry in ClinVar:

NM_001943.5(DSG2):c.874C>T (p.Arg292Cys)

Gene: DSG2 (desmoglein 2; plus strand). Cytogenetic location: 18q12.1.
Variant type: single nucleotide variant.
Coding change: c.874C>T on transcript NM_001943.5 (MANE Select); coding-DNA position 874, C replaced by T.
Protein change: p.Arg292Cys; replaces arginine 292 with cysteine.
Molecular consequence: missense variant.
Genome position (GRCh38, 1-based): chr18:31,524,748, C>T. VCF-style: chr18-31524748-C-T. GRCh37 (hg19) VCF-style: chr18-29104711-C-T.
Other names: c.874C>T (LRG_397t1); short protein forms R292C.
Identifiers: ClinVar variation 466351 (VCV000466351.52), dbSNP rs770921270, ClinGen allele CA050352.
Genomic context (GRCh38, chr18:31,524,748, plus strand): 5'-GTTCATGTTTTGCAGCTTGAAGGGATGGTTGAAGAAAATCAAGTCAACGTAGAAGTTACG[C>T]GCATAAAAGTGTTCGATGCAGATGAAATAGGTTCTGATAATTGGCTGGCAAATTTTACAT-3'
Protein context (NP_001934.2, residues 282-302): EENQVNVEVT[Arg292Cys]IKVFDADEIG

ClinVar aggregate classification (germline): Conflicting classifications of pathogenicity. Review status: criteria provided, conflicting classifications (1 of 4 stars). 16 submissions from 16 submitters: Pathogenic (1); Uncertain significance (8); Likely benign (1). 6 of the submissions do not count toward it. Last evaluated 2025-12-20.

Conditions:
Cardiovascular phenotype. Identifiers: MedGen CN230736.
Dilated cardiomyopathy 1BB (CMD1BB). Also called: CARDIOMYOPATHY, DILATED, 1BB, SUSCEPTIBILITY TO. Identifiers: Orphanet 154, MedGen C2752072, MONDO:0013030, OMIM 612877.
Arrhythmogenic right ventricular dysplasia 10. Also called: Arrhythmogenic right ventricular dysplasia/cardiomyopathy, type 10; Arrhythmogenic Right Ventricular Dysplasia/Cardiomyopathy10; ARRHYTHMOGENIC RIGHT VENTRICULAR DYSPLASIA, FAMILIAL, 10. Identifiers: MedGen C1857777, MONDO:0012434, OMIM 610193.
Arrhythmogenic right ventricular cardiomyopathy (ARVD). Also called: Arrhythmogenic Right Ventricular Cardiomyopathy (ARVC); Arrhythmogenic right ventricular dysplasia; Cardiomyopathy, ARVC; Arrhythmogenic cardiomyopathy. Identifiers: Orphanet 247, MedGen C0349788, MeSH D019571, MONDO:0016587. Disease mechanism: loss of function. Inheritance: Various modes of inheritance.
DSG2-related disorders.
Cardiomyopathy (CMYO). Also called: Cardiomyopathies. Identifiers: Orphanet 167848, MedGen C0878544, MONDO:0004994, HP:0001638. Inheritance: Various modes of inheritance.

Allele frequency attached by ClinVar (database versions not stated): gnomAD 0.00001; TOPMed 0.00002; ExAC 0.00003; gnomAD exomes 0.00005 and 0.00006.
gnomAD v4.1: 87 of 1,613,930 alleles (0.0054%); highest among the groups gnomAD compares: East Asian, 0.11%; no homozygotes.

Submissions (16):

Labcorp Genetics (formerly Invitae), Labcorp
Classification: Uncertain significance for Arrhythmogenic right ventricular dysplasia 10. Last evaluated: 2025-12-20. Review status: criteria provided, single submitter. Criteria: Invitae Variant Classification Sherloc (09022015). Collection method: clinical testing. Allele origin: germline.
Comment: This sequence change replaces arginine, which is basic and polar, with cysteine, which is neutral and slightly polar, at codon 292 of the DSG2 protein (p.Arg292Cys). This variant is present in population databases (rs770921270, gnomAD 0.02%). This missense change has been observed in individuals with arrhythmogenic right ventricular cardiomyopathy (PMID: 21606396, 22000064, 22214898, 25820315, 26585103, 27532257, 29178656, 30454721). ClinVar contains an entry for this variant (Variation ID: 466351). Invitae Evidence Modeling of protein sequence and biophysical properties (such as structural, functional, and spatial information, amino acid conservation, physicochemical variation, residue mobility, and thermodynamic stability) has been performed for this missense variant. However, the output from this modeling did not meet the statistical confidence thresholds required to predict the impact of this variant on DSG2 protein function. In summary, the available evidence is currently insufficient to determine the role of this variant in disease. Therefore, it has been classified as a Variant of Uncertain Significance.

Color Diagnostics, LLC DBA Color Health
Classification: Likely benign for Cardiomyopathy. Last evaluated: 2025-11-04. Review status: criteria provided, single submitter. Criteria: ACMG Guidelines, 2015. Collection method: clinical testing. Allele origin: germline.

Ambry Genetics
Classification: Uncertain significance for Cardiovascular phenotype. Last evaluated: 2025-09-30. Review status: criteria provided, single submitter. Criteria: Ambry Variant Classification Scheme 2023. Collection method: clinical testing. Allele origin: germline.
Comment: The p.R292C variant (also known as c.874C>T), located in coding exon 8 of the DSG2 gene, results from a C to T substitution at nucleotide position 874. The arginine at codon 292 is replaced by cysteine, an amino acid with highly dissimilar properties. This variant was reported in individual(s) with features consistent with arrhythmogenic right ventricular cardiomyopathy (ARVC); in some probands, this alteration was detected in the homozygous or compound heterozygous state or co-occurred with alterations in other ARVC-associated genes, and some individuals with this variant were unaffected (Cox MG et al. Circulation, 2011 Jun;123:2690-700; Sato T et al. Leg Med (Tokyo), 2011 Nov;13:298-300; Nakajima T et al. Circ. J., 2012 Dec;76:737-43; Groeneweg JA et al. Circ Cardiovasc Genet, 2015 Jun;8:437-46; Te Riele ASJM et al. JACC Clin Electrophysiol, 2015 Dec;1:551-560; Wada Y et al. Mol Genet Genomic Med, 2017 11;5:639-651; Walsh R et al. Genet. Med., 2017 02;19:192-203). This amino acid position is highly conserved in available vertebrate species. In addition, this alteration is predicted to be deleterious by in silico analysis. Based on the available evidence, the clinical significance of this variant remains unclear.

Molecular Diagnostic Laboratory for Inherited Cardiovascular Disease, Montreal Heart Institute
Classification: Uncertain significance for Cardiovascular phenotype. Last evaluated: 2025-04-08. Review status: criteria provided, single submitter. Criteria: ACMG Guidelines, 2015. Collection method: clinical testing. Allele origin: germline. Affected: yes.
Comment: PS4_mod, PM1, BS1, BP5

Blueprint Genetics
Classification: Pathogenic for DSG2-related disorders. Last evaluated: 2024-11-14. Review status: criteria provided, single submitter. Criteria: ACMG Guidelines, 2015. Collection method: clinical testing. Allele origin: germline. Affected: yes. Observed: 5 variant alleles.

All of Us Research Program, National Institutes of Health
Classification: Uncertain significance for Arrhythmogenic right ventricular cardiomyopathy. Last evaluated: 2024-08-23. Review status: criteria provided, single submitter. Criteria: ACMG Guidelines, 2015. Collection method: clinical testing. Allele origin: germline. Inheritance: Autosomal dominant inheritance. Observed: 12 variant alleles, 12 heterozygotes.
Comment: This missense variant replaces arginine with cysteine at codon 292 of the DSG2 protein. Computational prediction suggests that this variant may have deleterious impact on protein structure and function (internally defined REVEL score threshold >= 0.7, PMID: 27666373). To our knowledge, functional studies have not been reported for this variant. This variant has been reported in homozygous or heterozygous state in individuals affected with arrhythmogenic right ventricular cardiomyopathy; however, it has also been carried by their unaffected relatives (PMID: 21606396, 22000064, 22214898, 25820315, 27532257, 29178656, 30454721, 32877757). One of the affected individuals also carried a pathogenic PKP2 truncation variant, which could explain the disease observed in that individual (PMID: 22214898). This variant has also been identified in 12/249360 chromosomes in the general population by the Genome Aggregation Database (gnomAD). The available evidence is insufficient to determine the role of this variant in disease conclusively. Therefore, this variant is classified as a Variant of Uncertain Significance.

This study involves interpretation of variants in research participants for the purpose of population health screening. Participant phenotype was not available at the time of variant classification. Additional details can be found in publication PMID: 35346344, PMCID: PMC8962531

Fulgent Genetics
Classification: Uncertain significance for Arrhythmogenic right ventricular dysplasia 10; Dilated cardiomyopathy 1BB. Last evaluated: 2024-05-30. Review status: criteria provided, single submitter. Criteria: ACMG Guidelines, 2015. Collection method: clinical testing. Allele origin: germline.

GeneDx
Classification: Uncertain significance. Last evaluated: 2024-04-12. Review status: criteria provided, single submitter. Criteria: GeneDx Variant Classification Process June 2021. Collection method: clinical testing. Allele origin: germline. Affected: yes.
Comment: Identified in the heterozygous state, homozygous state, or with another variant in DSG2 in patients with ARVC (PMID: 22214898, 22000064, 27532257, 29178656, 25820315, 28097316, 21606396, 30454721, 32877757); In silico analysis supports that this missense variant has a deleterious effect on protein structure/function; This variant is associated with the following publications: (PMID: 27532257, 29178656, 22214898, 22000064, 25820315, 28097316, 21606396, 30454721, 32877757)

Mayo Clinic Laboratories, Mayo Clinic
Classification: Uncertain significance. Last evaluated: 2022-12-13. Review status: criteria provided, single submitter. Criteria: ACMG Guidelines, 2015. Collection method: clinical testing. Allele origin: germline. Observed: 2 variant alleles.

Clinical Genetics Laboratory, Skane University Hospital Lund
Classification: Uncertain significance. Last evaluated: 2022-05-27. Review status: criteria provided, single submitter. Criteria: ACMG Guidelines, 2015. Collection method: clinical testing. Allele origin: germline. Affected: yes.

Medical Genome Center, National Cerebral and Cardiovascular Center
Classification: Uncertain significance for Arrhythmogenic right ventricular dysplasia 10. Last evaluated: 2025-03-01. Review status: no assertion criteria provided. Collection method: clinical testing. Allele origin: germline. Affected: yes. Not counted in ClinVar's aggregate classification.
Comment: NM_001943.5: c.874C>T is frequently identified in the Japanese general populations in a heterozygous manner (MAF 0.003). Homozygous or compound heterozygous variants status can cause ARVC (PMID: 40115818).

Cardiac Research Department, West China Second University Hospital
Classification: Pathogenic for Arrhythmogenic right ventricular cardiomyopathy. Last evaluated: 2011-01-01. Review status: no assertion criteria provided. Collection method: literature only. Allele origin: unknown. Not counted in ClinVar's aggregate classification.

Clinical Genetics DNA and cytogenetics Diagnostics Lab, Erasmus MC, Erasmus Medical Center
Classification: Uncertain significance. Review status: no assertion criteria provided. Collection method: clinical testing. Allele origin: germline. Affected: yes. Study: VKGL Data-share Consensus. Not counted in ClinVar's aggregate classification.

Clinical Genetics, Academic Medical Center
Classification: Uncertain significance. Review status: no assertion criteria provided. Collection method: clinical testing. Allele origin: germline. Affected: yes. Study: VKGL Data-share Consensus. Not counted in ClinVar's aggregate classification.

Genome Diagnostics Laboratory, University Medical Center Utrecht
Classification: Uncertain significance. Review status: no assertion criteria provided. Collection method: clinical testing. Allele origin: germline. Affected: yes. Study: VKGL Data-share Consensus. Not counted in ClinVar's aggregate classification.

Centre for Mendelian Genomics, University Medical Centre Ljubljana
Classification: Likely pathogenic for Arrhythmogenic right ventricular dysplasia 10. Last evaluated: 2020-03-13. Review status: flagged submission. Criteria: ACMG Guidelines, 2015. Collection method: clinical testing. Allele origin: unknown. Affected: yes. Not counted in ClinVar's aggregate classification.
Comment: This variant was classified as: Likely pathogenic. The following ACMG criteria were applied in classifying this variant: PS4_Mod,PM2,PP3,PP4. This variant was detected in homozygous state.
ClinVar note: Reason: Outlier claim with insufficient supporting evidence

Literature cited by the submitters: PubMed 21606396 (cited by 3 submitters); PubMed 22000064 (cited by 3 submitters); PubMed 22214898 (cited by 3 submitters); PubMed 25820315 (cited by 4 submitters); PubMed 26585103 (cited by Labcorp Genetics (formerly Invitae), Labcorp and Ambry Genetics); PubMed 27532257 (cited by 3 submitters); PubMed 29178656 (cited by 3 submitters); PubMed 30454721 (cited by 3 submitters); PubMed 29759408 (cited by Ambry Genetics); PubMed 36138163 (cited by Ambry Genetics); PubMed 39155900 (cited by Ambry Genetics); PubMed 39706847 (cited by Ambry Genetics); PubMed 32877757 (cited by All of Us Research Program, National Institutes of Health and Mayo Clinic Laboratories, Mayo Clinic); PubMed 30177324 (cited by Mayo Clinic Laboratories, Mayo Clinic); PubMed 40115818 (cited by Medical Genome Center, National Cerebral and Cardiovascular Center); DOI 10.1016/j.legalmed.2011.08.004 (cited by Cardiac Research Department, West China Second University Hospital).